The following is an entry in ClinVar:

ClinVar aggregate classification (germline): Uncertain significance. Review status: criteria provided, multiple submitters, no conflicts (2 of 4 stars). 2 submissions from 2 submitters: Uncertain significance (2). Last evaluated 2024-12-10.

Conditions:
Orofaciodigital syndrome type 6 (OFD6). Also called: Y-shaped central metacarpal and cerebellar defect; Joubert syndrome with orofacialdigital anomalies; OROFACIODIGITAL SYNDROME VI; OFDS VI; POLYDACTYLY, CLEFT LIP/PALATE OR LINGUAL LUMP, AND PSYCHOMOTOR RETARDATION; VARADI SYNDROME. Identifiers: Orphanet 2754, MedGen C2745997, MONDO:0010176, OMIM 277170.
Joubert syndrome 17 (JBTS17). Identifiers: Orphanet 475, MedGen C3553264, MONDO:0013824, OMIM 614615.

Allele frequency attached by ClinVar (database versions not stated): ExAC 0.00003; gnomAD exomes 0.00006 and 0.00009; ESP Exome Variant Server 0.00008; TOPMed 0.00008; gnomAD 0.00012 and 0.00013.
gnomAD v4.1: 147 of 1,614,008 alleles (0.0091%); highest among the groups gnomAD compares: Non-Finnish European, 0.012%; no homozygotes.

Submissions (2):

Labcorp Genetics (formerly Invitae), Labcorp
Classification: Uncertain significance. Last evaluated: 2024-12-10. Review status: criteria provided, single submitter. Criteria: Invitae Variant Classification Sherloc (09022015). Collection method: clinical testing. Allele origin: germline.
Comment: This sequence change replaces lysine, which is basic and polar, with arginine, which is basic and polar, at codon 1441 of the CPLANE1 protein (p.Lys1441Arg). This variant is present in population databases (rs372201329, gnomAD 0.01%). This variant has not been reported in the literature in individuals affected with CPLANE1-related conditions. ClinVar contains an entry for this variant (Variation ID: 1379927). Invitae Evidence Modeling of protein sequence and biophysical properties (such as structural, functional, and spatial information, amino acid conservation, physicochemical variation, residue mobility, and thermodynamic stability) indicates that this missense variant is not expected to disrupt CPLANE1 protein function with a negative predictive value of 95%. In summary, the available evidence is currently insufficient to determine the role of this variant in disease. Therefore, it has been classified as a Variant of Uncertain Significance.

Fulgent Genetics
Classification: Uncertain significance for Orofaciodigital syndrome type 6; Joubert syndrome 17. Last evaluated: 2024-03-07. Review status: criteria provided, single submitter. Criteria: ACMG Guidelines, 2015. Collection method: clinical testing. Allele origin: germline.

NM_001384732.1(CPLANE1):c.4322A>G (p.Lys1441Arg)

Genes: CPLANE1 (ciliogenesis and planar polarity effector complex subunit 1; minus strand), LOC129389274 (MPRA-validated peak5227 silencer; plus strand). Cytogenetic location: 5p13.2.
Variant type: single nucleotide variant.
Coding change: c.4322A>G on transcript NM_001384732.1 (MANE Select); coding-DNA position 4322, A replaced by G.
Protein change: p.Lys1441Arg; replaces lysine 1441 with arginine.
Molecular consequence: missense variant.
Genome position (GRCh38, 1-based): chr5:37,184,947, T>C on the plus strand (A>G on the coding strand, the complement: CPLANE1 is on the minus strand). VCF-style: chr5-37184947-T-C. GRCh37 (hg19) VCF-style: chr5-37185049-T-C.
Other names: c.4322A>G, p.Lys1441Arg (NM_023073.4); c.4322A>G (NM_023073.3); short protein forms K1441R.
Identifiers: ClinVar variation 1379927 (VCV001379927.6), dbSNP rs372201329, ClinGen allele CA3238725.
Genomic context (GRCh38, chr5:37,184,947, plus strand): 5'-GTACTTCTGCTCAAACTAGTCCCCAGGGAATATCTGTCAACACCTGGAGCCTCATCTGGT[T>C]TCTCTTCTTCAATTGGTTCCCATATATTCACTTCAAAAGAGCCTATATTTCTCTGCACAC-3'
Protein context (NP_001371661.1, residues 1431-1451): VNIWEPIEEE[Lys1441Arg]PDEAPGVDRY